The following is an entry in ClinVar:

ClinVar aggregate classification (germline): Uncertain significance (0 of 4 stars; one submission).

Conditions:
KMT2D-related disorder. Also called: KMT2D-Related Disorders.

gnomAD v4.1: 5 of 1,605,254 alleles (0.00031%); highest among the groups gnomAD compares: African/African-American, 0.0067%; no homozygotes.

Submission:

PreventionGenetics, part of Exact Sciences
Classification: Uncertain significance for KMT2D-related condition. Last evaluated: 2024-02-26. Review status: no assertion criteria provided. Collection method: clinical testing. Allele origin: germline.
Comment: The KMT2D c.7235C>T variant is predicted to result in the amino acid substitution p.Pro2412Leu. To our knowledge, this variant has not been reported in the literature. This variant is reported in 0.0083% of alleles in individuals of African descent in gnomAD. At this time, the clinical significance of this variant is uncertain due to the absence of conclusive functional and genetic evidence.

NM_003482.4(KMT2D):c.7235C>T (p.Pro2412Leu)

Gene: KMT2D (lysine methyltransferase 2D; minus strand). Cytogenetic location: 12q13.12.
Variant type: single nucleotide variant.
Coding change: c.7235C>T on transcript NM_003482.4 (MANE Select); coding-DNA position 7235, C replaced by T.
Protein change: p.Pro2412Leu; replaces proline 2412 with leucine.
Molecular consequence: missense variant.
Genome position (GRCh38, 1-based): chr12:49,040,535, G>A on the plus strand (C>T on the coding strand, the complement: KMT2D is on the minus strand). VCF-style: chr12-49040535-G-A. GRCh37 (hg19) VCF-style: chr12-49434318-G-A.
Other names: short protein forms P2412L.
Identifiers: ClinVar variation 3355238 (VCV003355238.1).